The following is an entry in ClinVar:

ClinVar aggregate classification (germline): Conflicting classifications of pathogenicity. Review status: criteria provided, conflicting classifications (1 of 4 stars). 4 submissions from 4 submitters: Likely pathogenic (3); Uncertain significance (1). Last evaluated 2026-04-14.

Conditions:
Progressive familial intrahepatic cholestasis type 2. Identifiers: Orphanet 79304, MedGen C3489789, MONDO:0011156, OMIM 601847.
Familial intrahepatic cholestasis. Identifiers: Orphanet 284385, MedGen CN296401, MONDO:0017290.
Benign recurrent intrahepatic cholestasis type 2 (BRIC2). Also called: Recurrent familial intrahepatic cholestasis 2. Identifiers: Orphanet 65682, Orphanet 99961, MedGen C2608083, MONDO:0011559, OMIM 605479.

Allele frequency attached by ClinVar (database versions not stated): gnomAD exomes below 0.00001.
gnomAD v4.1: 1 of 1,613,608 alleles (0.000062%); highest among the groups gnomAD compares: Non-Finnish European, 0.000085%; no homozygotes.

Submissions (4):

Genomenon, Inc
Classification: Uncertain significance for Familial intrahepatic cholestasis. Last evaluated: 2026-04-14. Review status: criteria provided, single submitter. Criteria: Genomenon Sequence Variant Interpretation Standards - Updated. Collection method: curation. Allele origin: germline. Affected: yes.
Comment: ABCB11 p.Ser1027Arg (c.3081T>A) is a missense variant that changes the amino acid at residue 1027 from Serine to Arginine. This variant has been observed in at least one proband with an ABCB11-related disorder (PMID:26678486). It has been observed in trans with a pathogenic or likely pathogenic variant (PMID:26678486). It is absent or not present at a significant frequency in gnomAD. In silico models predict that this variant is possibly or probably damaging. In conclusion, we classify ABCB11 p.Ser1027Arg (c.3081T>A) as a variant of uncertain significance.

Immunogenetics and Transplant Biology Service, University Hospital "Città della Salute e della Scienza di Torino"
Classification: Likely pathogenic for Benign recurrent intrahepatic cholestasis type 2; Progressive familial intrahepatic cholestasis type 2. Last evaluated: 2025-06-28. Review status: criteria provided, single submitter. Criteria: ACMG Guidelines, 2015. Collection method: clinical testing. Allele origin: germline. Affected: yes.

Broad Center for Mendelian Genomics, Broad Institute of MIT and Harvard
Classification: Likely pathogenic for Progressive familial intrahepatic cholestasis type 2. Last evaluated: 2025-01-23. Review status: criteria provided, single submitter. Criteria: ACMG Guidelines, 2015. Collection method: curation. Allele origin: germline. Inheritance: Autosomal recessive inheritance.
Comment: The p.Ser1027Arg variant in ABCB11 has been reported, in the compound heterozygous state, in two siblings with BSEP deficiency (PMID: 26678486), and has been identified in 0.00008% (1/1179762) of European (non-Finnish) chromosomes by the Genome Aggregation Database (gnomAD; dbSNP rs1356859208). Although this variant has been seen in the general population in a heterozygous state, its frequency is low enough to be consistent with a recessive carrier frequency. Computational prediction tools and conservation analyses suggest that this variant may impact the protein, though this information is not predictive enough to determine pathogenicity. The p.Ser1027Arg variant is located in a region of ABCB11 that is essential to protein folding and stability, suggesting that this variant is in a functional domain and slightly supports pathogenicity (PMID: 26678486). In summary, although additional studies are required to fully establish its clinical significance, this variant is likely pathogenic for autosomal recessive BSEP deficiency. ACMG/AMP Criteria applied: PP3_moderate, PM2_supporting, PM3, PM1_supporting (Richards 2015).

Labcorp Genetics (formerly Invitae), Labcorp
Classification: Likely pathogenic. Last evaluated: 2023-07-14. Review status: criteria provided, single submitter. Criteria: Invitae Variant Classification Sherloc (09022015). Collection method: clinical testing. Allele origin: germline.
Comment: In summary, the currently available evidence indicates that the variant is pathogenic, but additional data are needed to prove that conclusively. Therefore, this variant has been classified as Likely Pathogenic. Advanced modeling of protein sequence and biophysical properties (such as structural, functional, and spatial information, amino acid conservation, physicochemical variation, residue mobility, and thermodynamic stability) performed at Invitae indicates that this missense variant is expected to disrupt ABCB11 protein function. This missense change has been observed in individual(s) with cholestasis (PMID: 26678486). In at least one individual the data is consistent with being in trans (on the opposite chromosome) from a pathogenic variant. The frequency data for this variant in the population databases is considered unreliable, as metrics indicate poor data quality at this position in the gnomAD database. This sequence change replaces serine, which is neutral and polar, with arginine, which is basic and polar, at codon 1027 of the ABCB11 protein (p.Ser1027Arg).

Literature cited by the submitters: PubMed 26678486 (cited by Genomenon, Inc and Labcorp Genetics (formerly Invitae), Labcorp).

NM_003742.4(ABCB11):c.3081T>A (p.Ser1027Arg)

Gene: ABCB11 (ATP binding cassette subfamily B member 11; minus strand). Cytogenetic location: 2q31.1.
Variant type: single nucleotide variant.
Coding change: c.3081T>A on transcript NM_003742.4 (MANE Select); coding-DNA position 3081, T replaced by A.
Protein change: p.Ser1027Arg; replaces serine 1027 with arginine.
Molecular consequence: missense variant.
Genome position (GRCh38, 1-based): chr2:168,932,509, A>T on the plus strand (T>A on the coding strand, the complement: ABCB11 is on the minus strand). VCF-style: chr2-168932509-A-T. GRCh37 (hg19) VCF-style: chr2-169789019-A-T.
Other names: NM_003742.4:c.3081T>A; short protein forms S1027R.
Identifiers: ClinVar variation 2734324 (VCV002734324.6), dbSNP rs1356859208, ClinGen allele CA349122583.
Genomic context (GRCh38, chr2:168,932,509, plus strand): 5'-TGATATTTTAGCTTTTGCATAACTTGGGGTGTAAGAGAAGGCTCTTCCAAGAGCTGTTGC[A>T]CTCAGTACAACTGCAGAGATCACCCTGTAACCAGACAGACACACAGGAAGAGAGCAGGGT-3'
Protein context (NP_003733.2, residues 1017-1037): VFRVISAVVL[Ser1027Arg]ATALGRAFSY